The following is an entry in ClinVar:

NM_000748.3(CHRNB2):c.16G>T (p.Gly6Cys)

Genes: CHRNB2 (cholinergic receptor nicotinic beta 2 subunit; plus strand), LOC129931511 (ATAC-STARR-seq lymphoblastoid silent region 1363; plus strand). Cytogenetic location: 1q21.3.
Variant type: single nucleotide variant.
Coding change: c.16G>T on transcript NM_000748.3 (MANE Select); coding-DNA position 16, G replaced by T.
Protein change: p.Gly6Cys; replaces glycine 6 with cysteine.
Molecular consequence: missense variant.
Genome position (GRCh38, 1-based): chr1:154,568,060, G>T. VCF-style: chr1-154568060-G-T. GRCh37 (hg19) VCF-style: chr1-154540536-G-T.
Other names: short protein forms G6C.
Identifiers: ClinVar variation 4082633 (VCV004082633.1).

ClinVar aggregate classification (germline): Uncertain significance (1 of 4 stars; one submission).

Submission:

GeneDx
Classification: Uncertain significance. Last evaluated: 2025-03-03. Review status: criteria provided, single submitter. Criteria: GeneDx Variant Classification Process June 2021. Collection method: clinical testing. Allele origin: germline. Affected: yes.
Comment: Not observed at significant frequency in large population cohorts (gnomAD); In silico analysis indicates that this missense variant does not alter protein structure/function; Has not been previously published as pathogenic or benign to our knowledge